The following is an entry in ClinVar:

NM_152743.4(BRAT1):c.1486C>T (p.Gln496Ter)

Gene: BRAT1 (BRCA1 associated ATM activator 1; minus strand). Cytogenetic location: 7p22.3.
Variant type: single nucleotide variant.
Coding change: c.1486C>T on transcript NM_152743.4 (MANE Select); coding-DNA position 1486, C replaced by T.
Protein change: p.Gln496Ter; replaces glutamine 496 with a stop codon.
Molecular consequence: nonsense. On other transcripts: non-coding transcript variant (1).
Genome position (GRCh38, 1-based): chr7:2,539,798, G>A on the plus strand (C>T on the coding strand, the complement: BRAT1 is on the minus strand). VCF-style: chr7-2539798-G-A. GRCh37 (hg19) VCF-style: chr7-2579432-G-A.
Other names: c.1486C>T, p.Gln496Ter (NM_001350626.2); c.961C>T, p.Gln321Ter (NM_001350627.2); short protein forms Q321*, Q496*.
Identifiers: ClinVar variation 2110761 (VCV002110761.4), dbSNP rs2534317013, ClinGen allele CA366628075.

ClinVar aggregate classification (germline): Pathogenic (1 of 4 stars; one submission).

Conditions:
Neonatal-onset encephalopathy with rigidity and seizures. Also called: Lethal neonatal spasticity-epileptic encephalopathy syndrome. Identifiers: Orphanet 435845, MedGen C3281029, MONDO:0013784, OMIM 614498.

Submission:

Labcorp Genetics (formerly Invitae), Labcorp
Classification: Pathogenic for Neonatal-onset encephalopathy with rigidity and seizures. Last evaluated: 2022-03-13. Review status: criteria provided, single submitter. Criteria: Invitae Variant Classification Sherloc (09022015). Collection method: clinical testing. Allele origin: germline.
Comment: For these reasons, this variant has been classified as Pathogenic. Algorithms developed to predict the effect of sequence changes on RNA splicing suggest that this variant may disrupt the consensus splice site. This sequence change creates a premature translational stop signal (p.Gln496*) in the BRAT1 gene. It is expected to result in an absent or disrupted protein product. Loss-of-function variants in BRAT1 are known to be pathogenic (PMID: 22279524, 25500575). This variant is not present in population databases (gnomAD no frequency). This variant has not been reported in the literature in individuals affected with BRAT1-related conditions.

Literature cited by the submitters: PubMed 22279524; PubMed 25500575.